The following is an entry in ClinVar:

NM_004360.5(CDH1):c.1970C>G (p.Ala657Gly)

Gene: CDH1 (cadherin 1; plus strand). Cytogenetic location: 16q22.1.
Variant type: single nucleotide variant.
Coding change: c.1970C>G on transcript NM_004360.5 (MANE Select); coding-DNA position 1970, C replaced by G.
Protein change: p.Ala657Gly; replaces alanine 657 with glycine.
Molecular consequence: missense variant.
Genome position (GRCh38, 1-based): chr16:68,823,432, C>G. VCF-style: chr16-68823432-C-G. GRCh37 (hg19) VCF-style: chr16-68857335-C-G.
Other names: c.1787C>G, p.Ala596Gly (NM_001317184.2); c.422C>G, p.Ala141Gly (NM_001317185.2); c.5C>G, p.Ala2Gly (NM_001317186.2); short protein forms A596G, A141G, A2G, A657G.
Identifiers: ClinVar variation 925390 (VCV000925390.4), dbSNP rs757422353, ClinGen allele CA8130181.

ClinVar aggregate classification (germline): Uncertain significance (1 of 4 stars; one submission).

Conditions:
Hereditary cancer-predisposing syndrome. Also called: Neoplastic Syndromes, Hereditary; Tumor predisposition; Hereditary Cancer Syndrome; Hereditary neoplastic syndrome. Identifiers: Orphanet 140162, MedGen C0027672, MeSH D009386, MONDO:0015356.

Allele frequency attached by ClinVar (database versions not stated): gnomAD exomes below 0.00001; ExAC 0.00001.
gnomAD v4.1: 1 of 1,613,690 alleles (0.000062%); no homozygotes.

Submission:

Color Diagnostics, LLC DBA Color Health
Classification: Uncertain significance for Hereditary cancer-predisposing syndrome. Last evaluated: 2024-03-06. Review status: criteria provided, single submitter. Criteria: ACMG Guidelines, 2015. Collection method: clinical testing. Allele origin: germline.
Comment: This missense variant replaces alanine with glycine at codon 657 of the CDH1 protein. Computational prediction tool suggests that this variant may not impact protein structure and function (internally defined REVEL score threshold <=0.5, PMID: 27666373). Splice site prediction tools suggest that this variant may not impact RNA splicing. To our knowledge, functional studies have not been performed for this variant. This variant has not been reported in individuals affected with hereditary cancer in the literature. This variant has been identified in 1/251454 chromosomes in the general population by the Genome Aggregation Database (gnomAD). The available evidence is insufficient to determine the role of this variant in disease conclusively. Therefore, this variant is classified as a Variant of Uncertain Significance.